The following is an entry in ClinVar:

ClinVar aggregate classification (germline): Uncertain significance. Review status: criteria provided, multiple submitters, no conflicts (2 of 4 stars). 5 submissions from 5 submitters: Uncertain significance (5). Last evaluated 2024-09-23.

Conditions:
Inborn genetic diseases. Identifiers: MedGen C0950123, MeSH D030342.
Usher syndrome type 1 (USH1). Also called: RETINITIS PIGMENTOSA AND CONGENITAL DEAFNESS. Identifiers: Orphanet 231169, Orphanet 886, MedGen C1568247, MONDO:0010168, OMIM 276900.

Allele frequency attached by ClinVar (database versions not stated): gnomAD 0.00001 and 0.00002; gnomAD exomes 0.00004 and 0.00001; ExAC 0.00002; TOPMed 0.00004.
gnomAD v4.1: 65 of 1,612,830 alleles (0.004%); highest among the groups gnomAD compares: Non-Finnish European, 0.0051%; no homozygotes.

Submissions (5):

GeneDx
Classification: Uncertain significance. Last evaluated: 2024-09-23. Review status: criteria provided, single submitter. Criteria: GeneDx Variant Classification Process June 2021. Collection method: clinical testing. Allele origin: germline.
Comment: Not observed at significant frequency in large population cohorts (gnomAD); In silico analysis indicates that this missense variant does not alter protein structure/function; Has not been previously published as pathogenic or benign to our knowledge

Blueprint Genetics
Classification: Uncertain significance. Last evaluated: 2024-05-14. Review status: criteria provided, single submitter. Criteria: ACMG Guidelines, 2015. Collection method: clinical testing. Allele origin: germline.

Ambry Genetics
Classification: Uncertain significance for Inborn genetic diseases. Last evaluated: 2023-03-24. Review status: criteria provided, single submitter. Criteria: Ambry Variant Classification Scheme 2023. Collection method: clinical testing. Allele origin: germline.

Labcorp Genetics (formerly Invitae), Labcorp
Classification: Uncertain significance. Last evaluated: 2022-06-29. Review status: criteria provided, single submitter. Criteria: Invitae Variant Classification Sherloc (09022015). Collection method: clinical testing. Allele origin: germline.
Comment: This sequence change replaces leucine, which is neutral and non-polar, with proline, which is neutral and non-polar, at codon 1955 of the PCDH15 protein (p.Leu1955Pro). This variant is present in population databases (rs751586980, gnomAD 0.004%). This variant has not been reported in the literature in individuals affected with PCDH15-related conditions. ClinVar contains an entry for this variant (Variation ID: 300165). Algorithms developed to predict the effect of missense changes on protein structure and function are either unavailable or do not agree on the potential impact of this missense change (SIFT: "Deleterious"; PolyPhen-2: "Not Available"; Align-GVGD: "Class C0"). In summary, the available evidence is currently insufficient to determine the role of this variant in disease. Therefore, it has been classified as a Variant of Uncertain Significance.

Illumina Laboratory Services, Illumina
Classification: Uncertain significance for Usher syndrome type 1. Last evaluated: 2018-01-13. Review status: criteria provided, single submitter. Criteria: ICSL Variant Classification Criteria 13 December 2019. Collection method: clinical testing. Allele origin: germline.

NM_033056.4(PCDH15):c.5864T>C (p.Leu1955Pro)

Gene: PCDH15 (protocadherin related 15; minus strand). Cytogenetic location: 10q21.1.
Variant type: single nucleotide variant.
Coding change: c.5864T>C on transcript NM_033056.4 (MANE Plus Clinical); coding-DNA position 5864, T replaced by C.
Protein change: p.Leu1955Pro; replaces leucine 1955 with proline.
Molecular consequence: missense variant. On other transcripts: intron variant (8).
Genome position (GRCh38, 1-based): chr10:53,821,862, A>G on the plus strand (T>C on the coding strand, the complement: PCDH15 is on the minus strand). VCF-style: chr10-53821862-A-G. GRCh37 (hg19) VCF-style: chr10-55581622-A-G.
Other names: c.5885T>C, p.Leu1962Pro (NM_001142763.2); c.5870T>C, p.Leu1957Pro (NM_001142764.2); c.5657T>C, p.Leu1886Pro (NM_001142765.2); c.5855T>C, p.Leu1952Pro (NM_001142766.2); c.5744T>C, p.Leu1915Pro (NM_001142767.2); c.5804T>C, p.Leu1935Pro (NM_001142768.2); c.5795T>C, p.Leu1932Pro (NM_001142773.2); c.5798T>C, p.Leu1933Pro (NM_001354404.2); and 7 more; short protein forms L1955P, L1915P, L1957P, L1886P, L1952P, L1933P, L1932P, L1935P.
Identifiers: ClinVar variation 300165 (VCV000300165.11), dbSNP rs751586980, ClinGen allele CA5504945.